The following is an entry in ClinVar:

NM_000059.4(BRCA2):c.5746C>T (p.His1916Tyr)

Gene: BRCA2 (BRCA2 DNA repair associated; plus strand). Cytogenetic location: 13q13.1.
Variant type: single nucleotide variant.
Coding change: c.5746C>T on transcript NM_000059.4 (MANE Select); coding-DNA position 5746, C replaced by T.
Protein change: p.His1916Tyr; replaces histidine 1916 with tyrosine.
Molecular consequence: missense variant.
Genome position (GRCh38, 1-based): chr13:32,340,101, C>T. VCF-style: chr13-32340101-C-T. GRCh37 (hg19) VCF-style: chr13-32914238-C-T.
Other names: c.5746C>T, p.His1916Tyr (NM_001406719.1, NM_001406720.1); short protein forms H1916Y.
Identifiers: ClinVar variation 1749410 (VCV001749410.6), dbSNP rs2137520497, ClinGen allele CA387786989.

ClinVar aggregate classification (germline): Conflicting classifications of pathogenicity. Review status: criteria provided, conflicting classifications (1 of 4 stars). 3 submissions from 3 submitters: Uncertain significance (2); Likely benign (1). Last evaluated 2025-10-03.

Conditions:
Hereditary cancer-predisposing syndrome. Also called: Hereditary Cancer Syndrome; Hereditary neoplastic syndrome; Neoplastic Syndromes, Hereditary; Tumor predisposition. Identifiers: Orphanet 140162, MedGen C0027672, MeSH D009386, MONDO:0015356.
Hereditary breast ovarian cancer syndrome. Also called: Hereditary breast and ovarian cancer; BRCA1- and BRCA2-Associated Hereditary Breast and Ovarian Cancer; Hereditary breast and ovarian cancer syndrome (HBOC); Hereditary breast and ovarian cancer syndrome; Breast and ovarian cancer; Hereditary breast and/or ovarian cancer syndrome. Identifiers: Orphanet 145, MedGen C0677776, MeSH D061325, MONDO:0003582. Disease mechanism: loss of function.

gnomAD v4.1: 1 of 1,613,796 alleles (0.000062%); highest among the groups gnomAD compares: Non-Finnish European, 0.000085%; no homozygotes.

Submissions (3):

Ambry Genetics
Classification: Uncertain significance for Hereditary cancer-predisposing syndrome. Last evaluated: 2025-10-03. Review status: criteria provided, single submitter. Criteria: Ambry Variant Classification Scheme 2023. Collection method: clinical testing. Allele origin: germline.
Comment: The p.H1916Y variant (also known as c.5746C>T), located in coding exon 10 of the BRCA2 gene, results from a C to T substitution at nucleotide position 5746. The histidine at codon 1916 is replaced by tyrosine, an amino acid with similar properties. This amino acid position is conserved. In addition, this alteration is predicted to be tolerated by in silico analysis. Since supporting evidence is limited at this time, the clinical significance of this alteration remains unclear.

Labcorp Genetics (formerly Invitae), Labcorp
Classification: Uncertain significance for Hereditary breast ovarian cancer syndrome. Last evaluated: 2025-03-26. Review status: criteria provided, single submitter. Criteria: Invitae Variant Classification Sherloc (09022015). Collection method: clinical testing. Allele origin: germline.
Comment: This sequence change replaces histidine, which is basic and polar, with tyrosine, which is neutral and polar, at codon 1916 of the BRCA2 protein (p.His1916Tyr). This variant is not present in population databases (gnomAD no frequency). This variant has not been reported in the literature in individuals affected with BRCA2-related conditions. ClinVar contains an entry for this variant (Variation ID: 1749410). Invitae Evidence Modeling of protein sequence and biophysical properties (such as structural, functional, and spatial information, amino acid conservation, physicochemical variation, residue mobility, and thermodynamic stability) indicates that this missense variant is not expected to disrupt BRCA2 protein function with a negative predictive value of 95%. In summary, the available evidence is currently insufficient to determine the role of this variant in disease. Therefore, it has been classified as a Variant of Uncertain Significance.

University of Washington Department of Laboratory Medicine, University of Washington
Classification: Likely benign for Hereditary cancer-predisposing syndrome. Last evaluated: 2023-03-23. Review status: criteria provided, single submitter. Criteria: Dines et al. (Genet Med. 2020). Collection method: curation. Allele origin: germline.
Comment: Missense variant in a coldspot region where missense variants are very unlikely to be pathogenic (PMID:31911673).

BRCA2 exon 11 coldspot. Reclassification based on statistical prior probability.